The following is an entry in ClinVar:

ClinVar aggregate classification (germline): Uncertain significance (1 of 4 stars; one submission).

Conditions:
Glutaric aciduria, type 1. Also called: Glutaric acidemia type I; Glutaricaciduria, type I; Glutaricacidemia Type 1; Glutaric Acidemia Type 1; Glutaryl-CoA dehydrogenase deficiency; GA I. Identifiers: Orphanet 25, MedGen C0268595, MONDO:0009281, OMIM 231670.

Allele frequency attached by ClinVar (database versions not stated): ExAC 0.00001.

Submission:

Labcorp Genetics (formerly Invitae), Labcorp
Classification: Uncertain significance for Glutaric aciduria, type 1. Last evaluated: 2024-10-25. Review status: criteria provided, single submitter. Criteria: Invitae Variant Classification Sherloc (09022015). Collection method: clinical testing. Allele origin: germline.
Comment: This sequence change replaces aspartic acid, which is acidic and polar, with asparagine, which is neutral and polar, at codon 187 of the GCDH protein (p.Asp187Asn). This variant is not present in population databases (gnomAD no frequency). This variant has not been reported in the literature in individuals affected with GCDH-related conditions. Invitae Evidence Modeling of protein sequence and biophysical properties (such as structural, functional, and spatial information, amino acid conservation, physicochemical variation, residue mobility, and thermodynamic stability) indicates that this missense variant is not expected to disrupt GCDH protein function with a negative predictive value of 80%. This variant disrupts the p.Asp187 amino acid residue in GCDH. Other variant(s) that disrupt this residue have been determined to be pathogenic (PMID: 29665094, 33578440). This suggests that this residue is clinically significant, and that variants that disrupt this residue are likely to be disease-causing. In summary, the available evidence is currently insufficient to determine the role of this variant in disease. Therefore, it has been classified as a Variant of Uncertain Significance.

Literature cited by the submitters: PubMed 29665094; PubMed 33578440.

NM_000159.4(GCDH):c.559G>A (p.Asp187Asn)

Gene: GCDH (glutaryl-CoA dehydrogenase; plus strand). Cytogenetic location: 19p13.13.
Variant type: single nucleotide variant.
Coding change: c.559G>A on transcript NM_000159.4 (MANE Select); coding-DNA position 559, G replaced by A.
Protein change: p.Asp187Asn; replaces aspartic acid 187 with asparagine.
Molecular consequence: missense variant. On other transcripts: non-coding transcript variant (2).
Genome position (GRCh38, 1-based): chr19:12,896,045, G>A. VCF-style: chr19-12896045-G-A. GRCh37 (hg19) VCF-style: chr19-13006859-G-A.
Other names: c.559G>A, p.Asp187Asn (NM_013976.5); short protein forms D187N.
Identifiers: ClinVar variation 2847144 (VCV002847144.3), dbSNP rs776271882, ClinGen allele CA9234431.